The following is an entry in ClinVar:

NM_002968.3(SALL1):c.2493C>G (p.Asp831Glu)

Gene: SALL1 (spalt like transcription factor 1; minus strand). Cytogenetic location: 16q12.1.
Variant type: single nucleotide variant.
Coding change: c.2493C>G on transcript NM_002968.3 (MANE Select); coding-DNA position 2493, C replaced by G.
Protein change: p.Asp831Glu; replaces aspartic acid 831 with glutamic acid.
Molecular consequence: missense variant.
Genome position (GRCh38, 1-based): chr16:51,139,729, G>C on the plus strand (C>G on the coding strand, the complement: SALL1 is on the minus strand). VCF-style: chr16-51139729-G-C. GRCh37 (hg19) VCF-style: chr16-51173640-G-C.
Other names: c.2202C>G, p.Asp734Glu (NM_001127892.2); short protein forms D734E, D831E.
Identifiers: ClinVar variation 1328882 (VCV001328882.3), dbSNP rs1221318740, ClinGen allele CA395884719.

ClinVar aggregate classification (germline): Uncertain significance. Review status: criteria provided, multiple submitters, no conflicts (2 of 4 stars). 2 submissions from 2 submitters: Uncertain significance (2). Last evaluated 2024-02-05.

Conditions:
Inborn genetic diseases. Identifiers: MedGen C0950123, MeSH D030342.

Allele frequency attached by ClinVar (database versions not stated): gnomAD exomes below 0.00001.

Submissions (2):

Ambry Genetics
Classification: Uncertain significance for Inborn genetic diseases. Last evaluated: 2024-02-05. Review status: criteria provided, single submitter. Criteria: Ambry Variant Classification Scheme 2023. Collection method: clinical testing. Allele origin: germline.

GeneDx
Classification: Uncertain significance. Last evaluated: 2021-06-16. Review status: criteria provided, single submitter. Criteria: GeneDx Variant Classification Process June 2021. Collection method: clinical testing. Allele origin: germline. Affected: yes.
Comment: In silico analysis supports that this missense variant does not alter protein structure/function; Has not been previously published as pathogenic or benign to our knowledge; This variant is associated with the following publications: (PMID: 27535533)